The following is an entry in ClinVar:

ClinVar aggregate classification (germline): Uncertain significance (1 of 4 stars; one submission).

Conditions:
Townes syndrome (TBS). Also called: Townes-Brocks syndrome. Identifiers: Orphanet 857, MedGen C0265246, MeSH C536974, MONDO:0007142.

Allele frequency attached by ClinVar (database versions not stated): ExAC 0.00001; gnomAD exomes 0.00002; gnomAD 0.00003; TOPMed 0.00003.
gnomAD v4.1: 36 of 1,613,914 alleles (0.0022%); highest among the groups gnomAD compares: Middle Eastern, 0.016%; no homozygotes.

Submission:

Labcorp Genetics (formerly Invitae), Labcorp
Classification: Uncertain significance for Townes syndrome. Last evaluated: 2023-08-04. Review status: criteria provided, single submitter. Criteria: Invitae Variant Classification Sherloc (09022015). Collection method: clinical testing. Allele origin: germline.
Comment: In summary, the available evidence is currently insufficient to determine the role of this variant in disease. Therefore, it has been classified as a Variant of Uncertain Significance. An algorithm developed to predict the effect of missense changes on protein structure and function (PolyPhen-2) suggests that this variant is likely to be tolerated. This variant has not been reported in the literature in individuals affected with SALL1-related conditions. This variant is present in population databases (rs764123321, gnomAD 0.005%). This sequence change replaces glycine, which is neutral and non-polar, with serine, which is neutral and polar, at codon 1268 of the SALL1 protein (p.Gly1268Ser).

NM_002968.3(SALL1):c.3802G>A (p.Gly1268Ser)

Gene: SALL1 (spalt like transcription factor 1; minus strand). Cytogenetic location: 16q12.1.
Variant type: single nucleotide variant.
Coding change: c.3802G>A on transcript NM_002968.3 (MANE Select); coding-DNA position 3802, G replaced by A.
Protein change: p.Gly1268Ser; replaces glycine 1268 with serine.
Molecular consequence: missense variant.
Genome position (GRCh38, 1-based): chr16:51,137,285, C>T on the plus strand (G>A on the coding strand, the complement: SALL1 is on the minus strand). VCF-style: chr16-51137285-C-T. GRCh37 (hg19) VCF-style: chr16-51171196-C-T.
Other names: c.3511G>A, p.Gly1171Ser (NM_001127892.2); short protein forms G1171S, G1268S.
Identifiers: ClinVar variation 2753343 (VCV002753343.3), dbSNP rs764123321, ClinGen allele CA8052824.